The following is an entry in ClinVar:

NM_001267550.2(TTN):c.78197dup (p.Tyr26066Ter)

Genes: TTN (titin; minus strand), TTN-AS1 (TTN antisense RNA 1; plus strand). Cytogenetic location: 2q31.2.
Variant type: Duplication.
Coding change: c.78197dup on transcript NM_001267550.2 (MANE Select); coding-DNA position 78197, one base duplicated (A; older notation c.78197dupA).
Protein change: p.Tyr26066Ter; replaces tyrosine 26066 with a stop codon.
Molecular consequence: nonsense.
Genome position (GRCh38, 1-based): chr2:178,567,935, T duplicated on the plus strand (A on the coding strand, the reverse complement: TTN is on the minus strand). VCF-style (leftmost placement, unchanged base first): chr2-178567934-A-AT. GRCh37 (hg19) VCF-style: chr2-179432661-A-AT.
Other names: c.78197dupA (NM_001267550.2); c.78197dup (NM_001267550.1); c.73274dup, p.Tyr24425Ter (NM_001256850.1); c.51002dup, p.Tyr17001Ter (NM_003319.4); c.70493dup, p.Tyr23498Ter (NM_133378.4); c.51377dup, p.Tyr17126Ter (NM_133432.3); c.51578dup, p.Tyr17193Ter (NM_133437.4); c.51002dupA (NM_003319.4); short protein forms Y17001*, Y17126*, Y17193*, Y26066*, Y23498*, Y24425*.
Identifiers: ClinVar variation 289100 (VCV000289100.23), dbSNP rs1553596594, ClinGen allele CA10606327.

ClinVar aggregate classification (germline): Likely pathogenic. Review status: criteria provided, multiple submitters, no conflicts (2 of 4 stars). 6 submissions from 6 submitters: Likely pathogenic (6). Last evaluated 2026-05-07.

Conditions:
Cardiovascular phenotype. Identifiers: MedGen CN230736.
Dilated cardiomyopathy 1G (CMD1G). Identifiers: Orphanet 154, MedGen C1858763, MONDO:0011400, OMIM 604145.
Autosomal recessive limb-girdle muscular dystrophy type 2J (LGMDR10). Also called: Limb-girdle muscular dystrophy, type 2J; MUSCULAR DYSTROPHY, LIMB-GIRDLE, AUTOSOMAL RECESSIVE 10. Identifiers: Orphanet 140922, MedGen C1837342, MONDO:0012127, OMIM 608807.
TTN-related disorder. Also called: TTN-related condition; TTN-related disease; TTN-related disorders.

Submissions (6):

PreventionGenetics, part of Exact Sciences
Classification: Likely pathogenic for TTN-related condition. Last evaluated: 2026-05-07. Review status: criteria provided, single submitter. Criteria: ACMG Guidelines, 2015. Collection method: clinical testing. Allele origin: germline.
Comment: The TTN c.78197dupA variant is predicted to result in premature protein termination (p.Tyr26066*). This variant has been reported in a cohort of individuals referred for cardiomyopathy and/or arrhythmia genetic testing; however, detailed clinical information was not available (Supplement 2, Dellefave-Castillo et al. 2022. PubMed ID: 35947370). This variant has not been reported in a large population database (gnomAD), indicating this variant is rare. This variant is located in the A-band region of the protein in which truncating TTN variants have been found more frequently in dilated cardiomyopathy patients than in controls (Herman et al. 2012. PubMed ID: 22335739). RNAseq studies from heart tissue indicate this exon is commonly included in TTN mRNA transcripts (PSI of 95%-100%, Roberts et al. 2015. PubMed ID: 25589632). TTN loss-of-function variants occurring in constitutively expressed exons (PSI > 90%) are more likely to be disease causing for TTN cardiac-related disorders regardless of band location (Roberts et al. 2015. PubMed ID: 25589632; Schafer et al. 2017. PubMed ID: 27869827; Akhtar et al. 2020. PubMed ID: 32964742). Many cases of recessive TTN-related myopathies in which the individual is compound heterozygous for two loss-of-function variants in TTN have also been reported (Oates et al. 2018. PubMed ID: 29691892; Ge et al. 2019. PubMed ID: 31053406; Rees et al. 2021. PubMed ID: 33449170). In summary, this variant is categorized as likely pathogenic. Of note, this variant is considered likely pathogenic for increased risk of TTN-related cardiac disorders, and also for autosomal recessive TTN-related congenital titinopathies.

GeneDx
Classification: Likely pathogenic. Last evaluated: 2026-03-19. Review status: criteria provided, single submitter. Criteria: GeneDx Variant Classification Process June 2021. Collection method: clinical testing. Allele origin: germline.
Comment: Located in the A-band, a region of TTN for which truncating variants are significantly associated with autosomal dominant cardiomyopathy and also with autosomal recessive skeletal myopathies (PMID: 22335739, 32778822); Nonsense variant predicted to result in protein truncation or nonsense mediated decay in a gene for which loss of function is a known mechanism of disease; Not observed at significant frequency in large population cohorts (gnomAD); Has not been previously published as pathogenic or benign to our knowledge; This variant is associated with the following publications: (PMID: 22335739, 32778822)

Labcorp Genetics (formerly Invitae), Labcorp
Classification: Likely pathogenic for Dilated cardiomyopathy 1G; Autosomal recessive limb-girdle muscular dystrophy type 2J. Last evaluated: 2024-07-19. Review status: criteria provided, single submitter. Criteria: Invitae Variant Classification Sherloc (09022015). Collection method: clinical testing. Allele origin: germline.
Comment: This sequence change creates a premature translational stop signal (p.Tyr26066*) in the TTN gene. While this is not anticipated to result in nonsense mediated decay, it is expected to create a truncated TTN protein. This variant is not present in population databases (gnomAD no frequency). This premature translational stop signal has been observed in individual(s) with dilated cardiomyopathy (Invitae). ClinVar contains an entry for this variant (Variation ID: 289100). This variant is located in the A band of TTN (PMID: 25589632). Truncating variants in this region are significantly overrepresented in patients affected with dilated cardiomyopathy (PMID: 25589632). Truncating variants in this region have also been reported in individuals affected with autosomal recessive centronuclear myopathy (PMID: 23975875). In summary, the currently available evidence indicates that the variant is pathogenic, but additional data are needed to prove that conclusively. Therefore, this variant has been classified as Likely Pathogenic.

Ambry Genetics
Classification: Likely pathogenic for Cardiovascular phenotype. Last evaluated: 2022-08-29. Review status: criteria provided, single submitter. Criteria: Ambry Variant Classification Scheme 2023. Collection method: clinical testing. Allele origin: germline.
Comment: The c.51002dupA variant, located in coding exon 153 of the TTN gene, results from a duplication of A at nucleotide position 51002, causing a translational frameshift with a predicted alternate stop codon (p.Y17001*). This exon is located in the A-band region of the N2-B isoform of the titin protein and is constitutively expressed in TTN transcripts (percent spliced in or PSI 100%). This variant is considered to be rare based on population cohorts in the Genome Aggregation Database (gnomAD). This alteration is expected to result in loss of function by premature protein truncation or nonsense-mediated mRNA decay. While truncating variants in TTN are present in 1-3% of the general population, truncating variants in the A-band are the most common cause of dilated cardiomyopathy (DCM) (Herman DS et al. N. Engl. J. Med., 2012 Feb;366:619-28; Roberts AM et al. Sci Transl Med, 2015 Jan;7:270ra6). TTN truncating variants encoded in constitutive exons (PSI >90%) have been found to be significantly associated with DCM regardless of their position in titin (Schafer S et al. Nat. Genet., 2017 01;49:46-53). Based on the majority of available evidence to date, this variant is likely to be pathogenic.

Revvity Omics, Revvity
Classification: Likely pathogenic. Last evaluated: 2021-11-16. Review status: criteria provided, single submitter. Criteria: ACMG Guidelines, 2015. Collection method: clinical testing. Allele origin: germline.

Eurofins Ntd Llc (ga)
Classification: Likely pathogenic. Last evaluated: 2016-07-08. Review status: criteria provided, single submitter. Criteria: EGL Classification Definitions. Collection method: clinical testing. Allele origin: germline. Observed: 1 variant allele, 1 heterozygote.
Comment: The c.70493dupA TTN variant has not been reported in individuals with disease or as a variant in the general population.2-5 The c.70493dupA variant is located in the A-band region of the TTN protein.6 While truncating variants in this region have been reported in individuals in the general population, they have also been reported at a significantly higher frequency in individuals with dilated cardiomyopathy (DCM).6,7 Therefore, the c.70493dupA TTN variant is classified as likely pathogenic. 6. Herman et al. N Engl J Med. 2012 Feb 16;366(7):619-28. 7. Pugh et al. Genet Med. 2014 Aug;16(8):601-8. 7-8-16 AKT

Literature cited by the submitters: PubMed 25589632 (cited by Labcorp Genetics (formerly Invitae), Labcorp); PubMed 23975875 (cited by Labcorp Genetics (formerly Invitae), Labcorp).